The following is an entry in ClinVar:

ClinVar aggregate classification (germline): Likely benign. Review status: criteria provided, multiple submitters, no conflicts (2 of 4 stars). 3 submissions from 3 submitters: Likely benign (3). Last evaluated 2025-11-24.

Conditions:
Cardiovascular phenotype. Identifiers: MedGen CN230736.

Allele frequency attached by ClinVar (database versions not stated): gnomAD exomes below 0.00001 and 0.00001; gnomAD 0.00001.
gnomAD v4.1: 9 of 1,613,830 alleles (0.00056%); highest among the groups gnomAD compares: Non-Finnish European, 0.00068%; no homozygotes.

Submissions (3):

Ambry Genetics
Classification: Likely benign for Cardiovascular phenotype. Last evaluated: 2025-11-24. Review status: criteria provided, single submitter. Criteria: Ambry Variant Classification Scheme 2023. Collection method: clinical testing. Allele origin: germline.

CeGaT Center for Human Genetics Tuebingen
Classification: Likely benign. Last evaluated: 2025-09-01. Review status: criteria provided, single submitter. Criteria: CeGaT Center For Human Genetics Tuebingen Variant Classification Criteria Version 2. Collection method: clinical testing. Allele origin: germline. Affected: yes. Observed: 1 variant allele.
Comment: TTN: BP4, BP7

GeneDx
Classification: Likely benign. Last evaluated: 2017-02-02. Review status: criteria provided, single submitter. Criteria: GeneDx Variant Classification (06012015). Collection method: clinical testing. Allele origin: germline. Affected: yes.
Comment: This variant is considered likely benign or benign based on one or more of the following criteria: it is a conservative change, it occurs at a poorly conserved position in the protein, it is predicted to be benign by multiple in silico algorithms, and/or has population frequency not consistent with disease.

NM_001267550.2(TTN):c.105006G>A (p.Leu35002=)

Genes: TTN (titin; minus strand), TTN-AS1 (TTN antisense RNA 1; plus strand). Cytogenetic location: 2q31.2.
Variant type: single nucleotide variant.
Coding change: c.105006G>A on transcript NM_001267550.2 (MANE Select); coding-DNA position 105006, G replaced by A.
Protein change: p.Leu35002=; no amino-acid change (leucine 35002 retained).
Molecular consequence: synonymous variant.
Genome position (GRCh38, 1-based): chr2:178,531,609, C>T on the plus strand (G>A on the coding strand, the complement: TTN is on the minus strand). VCF-style: chr2-178531609-C-T. GRCh37 (hg19) VCF-style: chr2-179396336-C-T.
Other names: c.100083G>A, p.Leu33361= (NM_001256850.1); c.77811G>A, p.Leu25937= (NM_003319.4); c.97302G>A, p.Leu32434= (NM_133378.4); c.78186G>A, p.Leu26062= (NM_133432.3); c.78387G>A, p.Leu26129= (NM_133437.4).
Identifiers: ClinVar variation 507268 (VCV000507268.8), dbSNP rs1320843432, ClinGen allele CA430236857.